The following is an entry in ClinVar:

ClinVar aggregate classification (germline): Uncertain significance (1 of 4 stars; one submission).

Allele frequency attached by ClinVar (database versions not stated): gnomAD exomes below 0.00001; TOPMed 0.00001.

Submission:

GeneDx
Classification: Uncertain significance. Last evaluated: 2022-03-24. Review status: criteria provided, single submitter. Criteria: GeneDx Variant Classification Process June 2021. Collection method: clinical testing. Allele origin: germline. Affected: yes.
Comment: Not observed at significant frequency in large population cohorts (gnomAD); In silico analysis supports that this missense variant has a deleterious effect on protein structure/function; Has not been previously published as pathogenic or benign to our knowledge

NM_138395.4(MARS2):c.1226G>A (p.Arg409Gln)

Gene: MARS2 (methionyl-tRNA synthetase 2, mitochondrial; plus strand). Cytogenetic location: 2q33.1.
Variant type: single nucleotide variant.
Coding change: c.1226G>A on transcript NM_138395.4 (MANE Select); coding-DNA position 1226, G replaced by A.
Protein change: p.Arg409Gln; replaces arginine 409 with glutamine.
Molecular consequence: missense variant.
Genome position (GRCh38, 1-based): chr2:197,706,631, G>A. VCF-style: chr2-197706631-G-A. GRCh37 (hg19) VCF-style: chr2-198571355-G-A.
Other names: short protein forms R409Q.
Identifiers: ClinVar variation 1526290 (VCV001526290.2), dbSNP rs1456742256, ClinGen allele CA350214228.